The following is an entry in ClinVar:

NM_198241.3(EIF4G1):c.3223-11TTC[2]

Gene: EIF4G1 (eukaryotic translation initiation factor 4 gamma 1; plus strand). Cytogenetic location: 3q27.1.
Variant type: Microsatellite.
Coding change: c.3223-11TTC[2] on transcript NM_198241.3 (MANE Select); two copies in a row of the 3-base unit TTC starting at c.3223-11; the reference has three copies in a row; one copy, 3 bases deleted.
Molecular consequence: intron variant.
Genome position (GRCh38, 1-based): chr3:184,326,522-184,326,524, TTC deleted; deleting any 3 consecutive bases within chr3:184,326,516-184,326,524 gives the same sequence; the position shown is the placement nearest the transcript's 3' end. VCF-style (leftmost placement, unchanged base first): chr3-184326515-TTTC-T. GRCh37 (hg19) VCF-style: chr3-184044303-TTTC-T.
Other names: c.3103-11TTC[2] (NM_001291157.2); c.3244-11TTC[2] (NM_001194946.2, NM_001194947.2); c.2962-11TTC[2] (NM_198244.3); c.2731-11TTC[2] (NM_198242.3); c.3226-11TTC[2] (NM_182917.4); c.2638-11TTC[2] (NM_004953.5).
Identifiers: ClinVar variation 4978933 (VCV004978933.1).

ClinVar aggregate classification (germline): Likely benign (1 of 4 stars; one submission).

Conditions:
EIF4G1-related disorder. Also called: EIF4G1-related condition.

Submission:

PreventionGenetics, part of Exact Sciences
Classification: Likely benign for EIF4G1-related condition. Last evaluated: 2025-06-17. Review status: criteria provided, single submitter. Criteria: ACMG Guidelines, 2015. Collection method: clinical testing. Allele origin: germline.
Comment: This variant is classified as likely benign based on ACMG/AMP sequence variant interpretation guidelines (Richards et al. 2015 PMID: 25741868, with internal and published modifications).